The following is an entry in ClinVar:

ClinVar aggregate classification (germline): Conflicting classifications of pathogenicity. Review status: criteria provided, conflicting classifications (1 of 4 stars). 2 submissions from 2 submitters: Uncertain significance (1); Likely benign (1). Last evaluated 2023-03-23.

Conditions:
Hereditary breast ovarian cancer syndrome. Also called: Hereditary breast and ovarian cancer syndrome; BRCA1- and BRCA2-Associated Hereditary Breast and Ovarian Cancer; Breast and ovarian cancer; Hereditary breast and/or ovarian cancer syndrome; Hereditary breast and ovarian cancer syndrome (HBOC); Hereditary breast and ovarian cancer. Identifiers: Orphanet 145, MedGen C0677776, MeSH D061325, MONDO:0003582. Disease mechanism: loss of function.
Hereditary cancer-predisposing syndrome. Also called: Hereditary neoplastic syndrome; Hereditary Cancer Syndrome; Neoplastic Syndromes, Hereditary; Tumor predisposition. Identifiers: Orphanet 140162, MedGen C0027672, MeSH D009386, MONDO:0015356.

Submissions (2):

University of Washington Department of Laboratory Medicine, University of Washington
Classification: Likely benign for Hereditary cancer-predisposing syndrome. Last evaluated: 2023-03-23. Review status: criteria provided, single submitter. Criteria: Dines et al. (Genet Med. 2020). Collection method: curation. Allele origin: germline.
Comment: Missense variant in a coldspot region where missense variants are very unlikely to be pathogenic (PMID:31911673).

BRCA2 exon 11 coldspot. Reclassification based on statistical prior probability.

Labcorp Genetics (formerly Invitae), Labcorp
Classification: Uncertain significance for Hereditary breast ovarian cancer syndrome. Last evaluated: 2021-06-28. Review status: criteria provided, single submitter. Criteria: Invitae Variant Classification Sherloc (09022015). Collection method: clinical testing. Allele origin: germline.
Comment: In summary, the available evidence is currently insufficient to determine the role of this variant in disease. Therefore, it has been classified as a Variant of Uncertain Significance. This sequence change replaces glutamine with histidine at codon 1658 of the BRCA2 protein (p.Gln1658His). The glutamine residue is weakly conserved and there is a small physicochemical difference between glutamine and histidine. Advanced modeling of protein sequence and biophysical properties (such as structural, functional, and spatial information, amino acid conservation, physicochemical variation, residue mobility, and thermodynamic stability) performed at Invitae indicates that this missense variant is not expected to disrupt BRCA2 protein function. This variant has not been reported in the literature in individuals with BRCA2-related conditions. This variant is not present in population databases (ExAC no frequency).

NM_000059.4(BRCA2):c.4974G>C (p.Gln1658His)

Gene: BRCA2 (BRCA2 DNA repair associated; plus strand). Cytogenetic location: 13q13.1.
Variant type: single nucleotide variant.
Coding change: c.4974G>C on transcript NM_000059.4 (MANE Select); coding-DNA position 4974, G replaced by C.
Protein change: p.Gln1658His; replaces glutamine 1658 with histidine.
Molecular consequence: missense variant.
Genome position (GRCh38, 1-based): chr13:32,339,329, G>C. VCF-style: chr13-32339329-G-C. GRCh37 (hg19) VCF-style: chr13-32913466-G-C.
Other names: short protein forms Q1658H.
Identifiers: ClinVar variation 1402967 (VCV001402967.9), dbSNP rs1555284012, ClinGen allele CA387783840.